The following is an entry in ClinVar:

NM_000321.3(RB1):c.2683T>A (p.Ser895Thr)

Gene: RB1 (RB transcriptional corepressor 1; plus strand). Cytogenetic location: 13q14.2.
Variant type: single nucleotide variant.
Coding change: c.2683T>A on transcript NM_000321.3 (MANE Select); coding-DNA position 2683, T replaced by A.
Protein change: p.Ser895Thr; replaces serine 895 with threonine.
Molecular consequence: missense variant.
Genome position (GRCh38, 1-based): chr13:48,477,374, T>A. VCF-style: chr13-48477374-T-A. GRCh37 (hg19) VCF-style: chr13-49051510-T-A.
Other names: c.2683T>A, p.Ser895Thr (NM_001407165.1); c.133T>A, p.Ser45Thr (NM_001407168.1); short protein forms S45T, S895T.
Identifiers: ClinVar variation 3073320 (VCV003073320.1), dbSNP rs2542385352, ClinGen allele CA388157811.

ClinVar aggregate classification (germline): Uncertain significance (1 of 4 stars; one submission).

Conditions:
Retinoblastoma (RB1). Also called: RETINOBLASTOMA, SOMATIC. Identifiers: Orphanet 790, MedGen C0035335, MeSH D012175, MONDO:0008380, OMIM 180200, HP:0009919. Disease mechanism: loss of function. Inheritance: Both sporadic and heritable forms are tested..

Submission:

All of Us Research Program, National Institutes of Health
Classification: Uncertain significance for Retinoblastoma. Last evaluated: 2023-09-04. Review status: criteria provided, single submitter. Criteria: ACMG Guidelines, 2015. Collection method: clinical testing. Allele origin: germline. Inheritance: Autosomal dominant inheritance. Observed: 1 variant allele, 1 heterozygote.
Comment: This missense variant replaces serine with threonine at codon 895 of the RB1 protein. Computational prediction suggests that this variant may not impact protein structure and function (internally defined REVEL score threshold <= 0.5, PMID: 27666373). To our knowledge, functional studies have not been reported for this variant. This variant has not been reported in individuals affected with RB1-related disorders in the literature. This variant has not been identified in the general population by the Genome Aggregation Database (gnomAD). The available evidence is insufficient to determine the role of this variant in disease conclusively. Therefore, this variant is classified as a Variant of Uncertain Significance.

This study involves interpretation of variants in research participants for the purpose of population health screening. Participant phenotype was not available at the time of variant classification. Additional details can be found in publication PMID: 35346344, PMCID: PMC8962531